The following is an entry in ClinVar:

ClinVar aggregate classification (germline): Uncertain significance (1 of 4 stars; one submission).

gnomAD v4.1: 6 of 1,614,166 alleles (0.00037%); highest among the groups gnomAD compares: Non-Finnish European, 0.00051%; no homozygotes.

Submission:

Ambry Genetics
Classification: Uncertain significance. Last evaluated: 2025-04-24. Review status: criteria provided, single submitter. Criteria: Ambry Variant Classification Scheme 2023. Collection method: clinical testing. Allele origin: germline.
Comment: The p.T229A variant (also known as c.685A>G), located in coding exon 7 of the ILK gene, results from an A to G substitution at nucleotide position 685. The threonine at codon 229 is replaced by alanine, an amino acid with similar properties. This amino acid position is conserved. In addition, the in silico prediction for this alteration is inconclusive. Based on the available evidence, the clinical significance of this variant remains unclear.

NM_004517.4(ILK):c.685A>G (p.Thr229Ala)

Genes: ILK (integrin linked kinase; plus strand), TAF10 (TATA-box binding protein associated factor 10; minus strand). Cytogenetic location: 11p15.4.
Variant type: single nucleotide variant.
Coding change: c.685A>G on transcript NM_004517.4 (MANE Select); coding-DNA position 685, A replaced by G.
Protein change: p.Thr229Ala; replaces threonine 229 with alanine.
Molecular consequence: missense variant. On other transcripts: 3 prime UTR variant (1).
Genome position (GRCh38, 1-based): chr11:6,609,365, A>G. VCF-style: chr11-6609365-A-G. GRCh37 (hg19) VCF-style: chr11-6630596-A-G.
Other names: c.685A>G, p.Thr229Ala (NM_001014794.3, NM_001014795.3); c.502A>G, p.Thr168Ala (NM_001278441.2); c.283A>G, p.Thr95Ala (NM_001278442.2); c.*1557T>C (NM_006284.4); short protein forms T95A, T229A, T168A.
Identifiers: ClinVar variation 4038520 (VCV004038520.1).